The following is an entry in ClinVar:

ClinVar aggregate classification (germline): Uncertain significance (1 of 4 stars; one submission).

gnomAD v4.1: 58 of 1,606,242 alleles (0.0036%); highest among the groups gnomAD compares: African/African-American, 0.041%; no homozygotes.

Submission:

CeGaT Center for Human Genetics Tuebingen
Classification: Uncertain significance. Last evaluated: 2025-11-01. Review status: criteria provided, single submitter. Criteria: CeGaT Center For Human Genetics Tuebingen Variant Classification Criteria Version 2. Collection method: clinical testing. Allele origin: germline. Affected: yes. Observed: 1 variant allele.
Comment: LRP1: PP3

NM_002332.3(LRP1):c.10802C>T (p.Ala3601Val)

Gene: LRP1 (LDL receptor related protein 1; plus strand). Cytogenetic location: 12q13.3.
Variant type: single nucleotide variant.
Coding change: c.10802C>T on transcript NM_002332.3 (MANE Select); coding-DNA position 10802, C replaced by T.
Protein change: p.Ala3601Val; replaces alanine 3601 with valine.
Molecular consequence: missense variant.
Genome position (GRCh38, 1-based): chr12:57,203,271, C>T. VCF-style: chr12-57203271-C-T. GRCh37 (hg19) VCF-style: chr12-57597054-C-T.
Other names: short protein forms A3601V.
Identifiers: ClinVar variation 4534593 (VCV004534593.6).